The following is an entry in ClinVar:

ClinVar aggregate classification (germline): Likely pathogenic (1 of 4 stars; one submission).

Submission:

Labcorp Genetics (formerly Invitae), Labcorp
Classification: Likely pathogenic. Last evaluated: 2021-03-02. Review status: criteria provided, single submitter. Criteria: Invitae Variant Classification Sherloc (09022015). Collection method: clinical testing. Allele origin: germline.
Comment: This variant results in the deletion of exon(s) 13-17 and part of exon 18 (c.1036-552_1516del) of the RARS2 gene. It is expected to disrupt RNA splicing. Variants that disrupt the donor or acceptor splice site typically lead to a loss of protein function (PMID: 16199547), and loss-of-function variants in RARS2 are known to be pathogenic (PMID: 17847012, 22569581, 26083569). In summary, the currently available evidence indicates that the variant is pathogenic, but additional data are needed to prove that conclusively. Therefore, this variant has been classified as Likely Pathogenic. This variant disrupts a region of the protein in which other variant(s) (p.Arg469His) have been observed in individuals with RARS2-related conditions (PMID: 22569581). This suggests that this may be a clinically significant region of the RARS2 protein. This variant has not been reported in the literature in individuals with RARS2-related conditions.

Literature cited by the submitters: PubMed 16199547; PubMed 17847012; PubMed 22569581; PubMed 26083569.

NC_000006.11:g.(?_88226594)_(88230526_?)del

Gene: RARS2 (arginyl-tRNA synthetase 2, mitochondrial; minus strand). Cytogenetic location: 6q15.
Variant type: Deletion.
Identifiers: ClinVar variation 1522654 (VCV001522654.4).